The following is an entry in ClinVar:

ClinVar aggregate classification (germline): Uncertain significance (1 of 4 stars; one submission).

Conditions:
Ehlers-Danlos syndrome, musculocontractural type 2 (EDSMC2). Identifiers: Orphanet 2953, MedGen C3809845, MONDO:0014236, OMIM 615539.

gnomAD v4.1: 4 of 1,613,118 alleles (0.00025%); highest among the groups gnomAD compares: South Asian, 0.0011%; no homozygotes.

Submission:

Labcorp Genetics (formerly Invitae), Labcorp
Classification: Uncertain significance for Ehlers-Danlos syndrome, musculocontractural type 2. Last evaluated: 2023-08-04. Review status: criteria provided, single submitter. Criteria: Invitae Variant Classification Sherloc (09022015). Collection method: clinical testing. Allele origin: germline.
Comment: This variant is not present in population databases (gnomAD no frequency). This sequence change replaces histidine, which is basic and polar, with glutamine, which is neutral and polar, at codon 562 of the DSE protein (p.His562Gln). This variant has not been reported in the literature in individuals affected with DSE-related conditions. ClinVar contains an entry for this variant (Variation ID: 1380327). Advanced modeling of protein sequence and biophysical properties (such as structural, functional, and spatial information, amino acid conservation, physicochemical variation, residue mobility, and thermodynamic stability) performed at Invitae indicates that this missense variant is not expected to disrupt DSE protein function. In summary, the available evidence is currently insufficient to determine the role of this variant in disease. Therefore, it has been classified as a Variant of Uncertain Significance.

NM_013352.4(DSE):c.1686T>A (p.His562Gln)

Gene: DSE (dermatan sulfate epimerase; plus strand). Cytogenetic location: 6q22.1.
Variant type: single nucleotide variant.
Coding change: c.1686T>A on transcript NM_013352.4 (MANE Select); coding-DNA position 1686, T replaced by A.
Protein change: p.His562Gln; replaces histidine 562 with glutamine.
Molecular consequence: missense variant. On other transcripts: non-coding transcript variant (1), 3 prime UTR variant (2).
Genome position (GRCh38, 1-based): chr6:116,436,154, T>A. VCF-style: chr6-116436154-T-A. GRCh37 (hg19) VCF-style: chr6-116757317-T-A.
Other names: c.1686T>A, p.His562Gln (NM_001080976.3, NM_001322937.2, NM_001322938.2); c.1743T>A, p.His581Gln (NM_001322939.2); c.1125T>A, p.His375Gln (NM_001322940.2, NM_001322941.2); c.*551T>A (NM_001322943.2, NM_001322944.2); c.687T>A, p.His229Gln (NM_001374520.1); c.651T>A, p.His217Gln (NM_001374521.1); short protein forms H562Q, H229Q, H375Q, H581Q, H217Q.
Identifiers: ClinVar variation 1380327 (VCV001380327.6), dbSNP rs2115095121, ClinGen allele CA365402776.